The following is an entry in ClinVar:

ClinVar aggregate classification (germline): Benign (1 of 4 stars; one submission).

Conditions:
Ellis-van Creveld syndrome (EVC). Also called: EVC-Related Ellis-van Creveld Syndrome; EVC2-Related Ellis-van Creveld Syndrome; MESOECTODERMAL DYSPLASIA; Chondroectodermal dysplasia. Identifiers: Orphanet 289, MedGen C0013903, MONDO:0009162, OMIM 225500.

Allele frequency attached by ClinVar (database versions not stated): gnomAD exomes 0.00013; gnomAD 0.00281 and 0.00308; 1000 Genomes Project 0.01458.
gnomAD v4.1: 413 of 159,750 alleles (0.26%); highest among the groups gnomAD compares: African/African-American, 1%; 2 homozygotes.

Submission:

Illumina Laboratory Services, Illumina
Classification: Benign for Ellis-van Creveld syndrome. Last evaluated: 2018-01-13. Review status: criteria provided, single submitter. Criteria: ICSL Variant Classification Criteria 13 December 2019. Collection method: clinical testing. Allele origin: germline.
Comment: This variant was observed in the ICSL laboratory as part of a predisposition screen in an ostensibly healthy population. It had not been previously curated by ICSL or reported in the Human Gene Mutation Database (HGMD: prior to June 1st, 2018), and was therefore a candidate for classification through an automated scoring system. Utilizing variant allele frequency, disease prevalence and penetrance estimates, and inheritance mode, an automated score was calculated to assess if this variant is too frequent to cause the disease. Based on the score and internal cut-off values, a variant classified as benign is not then subjected to further curation. The score for this variant resulted in a classification of benign for this disease.

NM_153717.3(EVC):c.*1185A>G

Gene: EVC (EvC ciliary complex subunit 1; plus strand). Cytogenetic location: 4p16.2.
Variant type: single nucleotide variant.
Coding change: c.*1185A>G on transcript NM_153717.3 (MANE Select); 1185 bases downstream of the stop codon, A replaced by G.
Molecular consequence: 3 prime UTR variant.
Genome position (GRCh38, 1-based): chr4:5,812,222, A>G. VCF-style: chr4-5812222-A-G. GRCh37 (hg19) VCF-style: chr4-5813949-A-G.
Other names: c.*1185A>G (NM_001306090.2).
Identifiers: ClinVar variation 349241 (VCV000349241.5), dbSNP rs113728951, ClinGen allele CA10621404.